The following is an entry in ClinVar:

ClinVar aggregate classification (germline): Uncertain significance. Review status: criteria provided, multiple submitters, no conflicts (2 of 4 stars). 2 submissions from 2 submitters: Uncertain significance (2). Last evaluated 2017-10-10.

Conditions:
Dilated cardiomyopathy 1G (CMD1G). Identifiers: Orphanet 154, MedGen C1858763, MONDO:0011400, OMIM 604145.
Autosomal recessive limb-girdle muscular dystrophy type 2J (LGMDR10). Also called: MUSCULAR DYSTROPHY, LIMB-GIRDLE, AUTOSOMAL RECESSIVE 10; Limb-girdle muscular dystrophy, type 2J. Identifiers: Orphanet 140922, MedGen C1837342, MONDO:0012127, OMIM 608807.

Submissions (2):

Labcorp Genetics (formerly Invitae), Labcorp
Classification: Uncertain significance for Dilated cardiomyopathy 1G; Autosomal recessive limb-girdle muscular dystrophy type 2J. Last evaluated: 2017-10-10. Review status: criteria provided, single submitter. Criteria: Invitae Variant Classification Sherloc (09022015). Collection method: clinical testing. Allele origin: germline.

GeneDx
Classification: Uncertain significance. Last evaluated: 2014-06-25. Review status: criteria provided, single submitter. Criteria: GeneDx Variant Classification (06012015). Collection method: clinical testing. Allele origin: germline. Affected: yes.
Comment: Missense variants in the TTN gene are considered 'unclassified' if they are not previously reported in the literature and do not have >1% frequency in the population to be considered a polymorphism. Research indicates that truncating mutations in the TTN gene are expected to account for approximately 25% of familial and 18% of sporadic idiopathic DCM; however, truncating variants in the TTN gene have been reported in approximately 3% of reported control alleles. There has been little investigation into non-truncating variants. (Herman D et al. Truncations of titin causing dilated cardiomyopathy. N Eng J Med 366:619-628, 2012) The variant is found in CARDIOMYOPATHY panel(s).

NM_001267550.2(TTN):c.45601C>G (p.His15201Asp)

Genes: TTN (titin; minus strand), LOC126806427 (BRD4-independent group 4 enhancer GRCh37_chr2:179485777-179486976; plus strand). Cytogenetic location: 2q31.2.
Variant type: single nucleotide variant.
Coding change: c.45601C>G on transcript NM_001267550.2 (MANE Select); coding-DNA position 45601, C replaced by G.
Protein change: p.His15201Asp; replaces histidine 15201 with aspartic acid.
Molecular consequence: missense variant.
Genome position (GRCh38, 1-based): chr2:178,621,117, G>C on the plus strand (C>G on the coding strand, the complement: TTN is on the minus strand). VCF-style: chr2-178621117-G-C. GRCh37 (hg19) VCF-style: chr2-179485844-G-C.
Other names: p.H13560D:CAC>GAC; c.40678C>G, p.His13560Asp (NM_001256850.1); c.18406C>G, p.His6136Asp (NM_003319.4); c.37897C>G, p.His12633Asp (NM_133378.4); c.18781C>G, p.His6261Asp (NM_133432.3); c.18982C>G, p.His6328Asp (NM_133437.4); short protein forms H13560D, H15201D, H6136D, H6261D, H12633D, H6328D.
Identifiers: ClinVar variation 202644 (VCV000202644.4), dbSNP rs794729438, ClinGen allele CA309850.